The following is an entry in ClinVar:

NM_021942.6(TRAPPC11):c.1337A>T (p.Tyr446Phe)

Gene: TRAPPC11 (trafficking protein particle complex subunit 11; plus strand). Cytogenetic location: 4q35.1.
Variant type: single nucleotide variant.
Coding change: c.1337A>T on transcript NM_021942.6 (MANE Select); coding-DNA position 1337, A replaced by T.
Protein change: p.Tyr446Phe; replaces tyrosine 446 with phenylalanine.
Molecular consequence: missense variant.
Genome position (GRCh38, 1-based): chr4:183,684,194, A>T. VCF-style: chr4-183684194-A-T. GRCh37 (hg19) VCF-style: chr4-184605347-A-T.
Other names: c.1337A>T, p.Tyr446Phe (NM_199053.3); short protein forms Y446F.
Identifiers: ClinVar variation 1401976 (VCV001401976.8), dbSNP rs149572534, ClinGen allele CA358866547.

ClinVar aggregate classification (germline): Uncertain significance (1 of 4 stars; one submission).

Conditions:
Autosomal recessive limb-girdle muscular dystrophy type R18 (LGMDR18). Also called: MUSCULAR DYSTROPHY, LIMB-GIRDLE, AUTOSOMAL RECESSIVE 18; Autosomal recessive limb-girdle muscular dystrophy type 2S; Limb-girdle muscular dystrophy, type 2S. Identifiers: Orphanet 369840, MedGen C4517996, MONDO:0014144, OMIM 615356.

Submission:

Labcorp Genetics (formerly Invitae), Labcorp
Classification: Uncertain significance for Autosomal recessive limb-girdle muscular dystrophy type R18. Last evaluated: 2022-10-17. Review status: criteria provided, single submitter. Criteria: Invitae Variant Classification Sherloc (09022015). Collection method: clinical testing. Allele origin: germline.
Comment: This sequence change replaces tyrosine, which is neutral and polar, with phenylalanine, which is neutral and non-polar, at codon 446 of the TRAPPC11 protein (p.Tyr446Phe). This variant is not present in population databases (gnomAD no frequency). In summary, the available evidence is currently insufficient to determine the role of this variant in disease. Therefore, it has been classified as a Variant of Uncertain Significance. Advanced modeling of protein sequence and biophysical properties (such as structural, functional, and spatial information, amino acid conservation, physicochemical variation, residue mobility, and thermodynamic stability) has been performed at Invitae for this missense variant, however the output from this modeling did not meet the statistical confidence thresholds required to predict the impact of this variant on TRAPPC11 protein function. ClinVar contains an entry for this variant (Variation ID: 1401976). This variant has not been reported in the literature in individuals affected with TRAPPC11-related conditions.